The following is an entry in ClinVar:

NM_173076.3(ABCA12):c.1782G>A (p.Glu594=)

Gene: ABCA12 (ATP binding cassette subfamily A member 12; minus strand). Cytogenetic location: 2q35.
Variant type: single nucleotide variant.
Coding change: c.1782G>A on transcript NM_173076.3 (MANE Select); coding-DNA position 1782, G replaced by A.
Protein change: p.Glu594=; no amino-acid change (glutamic acid 594 retained).
Molecular consequence: synonymous variant. On other transcripts: non-coding transcript variant (1).
Genome position (GRCh38, 1-based): chr2:215,018,008, C>T on the plus strand (G>A on the coding strand, the complement: ABCA12 is on the minus strand). VCF-style: chr2-215018008-C-T. GRCh37 (hg19) VCF-style: chr2-215882732-C-T.
Other names: c.828G>A, p.Glu276= (NM_015657.4).
Identifiers: ClinVar variation 1678769 (VCV001678769.2), dbSNP rs376960143, ClinGen allele CA64802311.

ClinVar aggregate classification (germline): Likely pathogenic (1 of 4 stars; one submission).

Allele frequency attached by ClinVar (database versions not stated): gnomAD exomes below 0.00001; TOPMed below 0.00001; ESP Exome Variant Server 0.00008.
gnomAD v4.1: 1 of 1,614,086 alleles (0.000062%); highest among the groups gnomAD compares: Non-Finnish European, 0.000085%; no homozygotes.

Submission:

GeneDx
Classification: Likely pathogenic. Last evaluated: 2022-11-30. Review status: criteria provided, single submitter. Criteria: GeneDx Variant Classification Process June 2021. Collection method: clinical testing. Allele origin: germline. Affected: yes.
Comment: Non-canonical splice site variant in a gene for which loss-of-function is a known mechanism of disease, and splice predictors support a deleterious effect; Not observed at significant frequency in large population cohorts (gnomAD); This variant is associated with the following publications: (PMID: 27025581)